The following is an entry in ClinVar:

NM_001203.3(BMPR1B):c.*3255C>G

Gene: BMPR1B (bone morphogenetic protein receptor type 1B; plus strand). Cytogenetic location: 4q22.3.
Variant type: single nucleotide variant.
Coding change: c.*3255C>G on transcript NM_001203.3 (MANE Select); 3255 bases downstream of the stop codon, C replaced by G.
Molecular consequence: 3 prime UTR variant.
Genome position (GRCh38, 1-based): chr4:95,157,928, C>G. VCF-style: chr4-95157928-C-G. GRCh37 (hg19) VCF-style: chr4-96079079-C-G.
Other names: c.*3255C>G (NM_001256792.2, NM_001256793.2, NM_001256794.1).
Identifiers: ClinVar variation 350175 (VCV000350175.6), dbSNP rs2162449, ClinGen allele CA10619641.

ClinVar aggregate classification (germline): Benign. Review status: criteria provided, multiple submitters, no conflicts (2 of 4 stars). 2 submissions from 2 submitters: Benign (2). Last evaluated 2018-01-13.

Conditions:
Brachydactyly. Also called: Brachydactyly syndrome; Brachydactyly (disease). Identifiers: MedGen C0221357, MONDO:0021004, HP:0001156.

Allele frequency attached by ClinVar (database versions not stated): 1000 Genomes Project 30x 0.11852; 1000 Genomes Project 0.12061; TOPMed 0.14700; gnomAD 0.15534 and 0.15744.

Submissions (2):

Illumina Laboratory Services, Illumina
Classification: Benign for Brachydactyly. Last evaluated: 2018-01-13. Review status: criteria provided, single submitter. Criteria: ICSL Variant Classification Criteria 13 December 2019. Collection method: clinical testing. Allele origin: germline.
Comment: This variant was observed in the ICSL laboratory as part of a predisposition screen in an ostensibly healthy population. It had not been previously curated by ICSL or reported in the Human Gene Mutation Database (HGMD: prior to June 1st, 2018), and was therefore a candidate for classification through an automated scoring system. Utilizing variant allele frequency, disease prevalence and penetrance estimates, and inheritance mode, an automated score was calculated to assess if this variant is too frequent to cause the disease. Based on the score and internal cut-off values, a variant classified as benign is not then subjected to further curation. The score for this variant resulted in a classification of benign for this disease.

Breakthrough Genomics
Classification: Benign. Review status: criteria provided, single submitter. Criteria: ACMG Guidelines, 2015. Collection method: not provided. Allele origin: germline. Inheritance: Autosomal recessive inheritance. Affected: yes.